The following is an entry in ClinVar:

ClinVar aggregate classification (germline): Benign. Review status: criteria provided, multiple submitters, no conflicts (2 of 4 stars). 5 submissions from 4 submitters: Benign (5). Last evaluated 2026-01-22.

Conditions:
Autosomal recessive Robinow syndrome (RRS1). Also called: ROBINOW SYNDROME, AUTOSOMAL RECESSIVE 1; COSTOVERTEBRAL SEGMENTATION DEFECT WITH MESOMELIA; COVESDEM SYNDROME; ROR2-Related Robinow Syndrome. Identifiers: Orphanet 1507, Orphanet 97360, MedGen C5399974, MONDO:0009999, OMIM 268310.
Brachydactyly type B1 (BDB1). Identifiers: Orphanet 572385, Orphanet 93383, MedGen C1862112, MONDO:0007220, OMIM 113000.

Allele frequency attached by ClinVar (database versions not stated): ExAC 0.00353; gnomAD 0.01113 and 0.01175; TOPMed 0.01223; ESP Exome Variant Server 0.01315; 1000 Genomes Project 0.01438; 1000 Genomes Project 30x 0.01624.
gnomAD v4.1: 3,346 of 1,602,716 alleles (0.21%); highest among the groups gnomAD compares: African/African-American, 4%; 62 homozygotes.

Submissions (5):

Labcorp Genetics (formerly Invitae), Labcorp
Classification: Benign. Last evaluated: 2026-01-22. Review status: criteria provided, single submitter. Criteria: Invitae Variant Classification Sherloc (09022015). Collection method: clinical testing. Allele origin: germline.

GeneDx
Classification: Benign. Last evaluated: 2020-02-24. Review status: criteria provided, single submitter. Criteria: GeneDx Variant Classification Process June 2021. Collection method: clinical testing. Allele origin: germline. Affected: yes.

Illumina Laboratory Services, Illumina
Classification: Benign for Autosomal recessive Robinow syndrome. Last evaluated: 2018-01-13. Review status: criteria provided, single submitter. Criteria: ICSL Variant Classification Criteria 13 December 2019. Collection method: clinical testing. Allele origin: germline.
Comment: This variant was observed in the ICSL laboratory as part of a predisposition screen in an ostensibly healthy population. It had not been previously curated by ICSL or reported in the Human Gene Mutation Database (HGMD: prior to June 1st, 2018), and was therefore a candidate for classification through an automated scoring system. Utilizing variant allele frequency, disease prevalence and penetrance estimates, and inheritance mode, an automated score was calculated to assess if this variant is too frequent to cause the disease. Based on the score and internal cut-off values, a variant classified as benign is not then subjected to further curation. The score for this variant resulted in a classification of benign for this disease.

Illumina Laboratory Services, Illumina
Classification: Benign for Brachydactyly type B1. Last evaluated: 2018-01-13. Review status: criteria provided, single submitter. Criteria: ICSL Variant Classification Criteria 13 December 2019. Collection method: clinical testing. Allele origin: germline.
Comment: the same text as in the submission from Illumina Laboratory Services, Illumina above.

Breakthrough Genomics
Classification: Benign. Review status: criteria provided, single submitter. Criteria: ACMG Guidelines, 2015. Collection method: not provided. Allele origin: germline. Inheritance: Autosomal recessive inheritance. Affected: yes.

NM_004560.4(ROR2):c.1642C>T (p.Pro548Ser)

Gene: ROR2 (receptor tyrosine kinase like orphan receptor 2; minus strand). Cytogenetic location: 9q22.31.
Variant type: single nucleotide variant.
Coding change: c.1642C>T on transcript NM_004560.4 (MANE Select); coding-DNA position 1642, C replaced by T.
Protein change: p.Pro548Ser; replaces proline 548 with serine.
Molecular consequence: missense variant.
Genome position (GRCh38, 1-based): chr9:91,724,852, G>A on the plus strand (C>T on the coding strand, the complement: ROR2 is on the minus strand). VCF-style: chr9-91724852-G-A. GRCh37 (hg19) VCF-style: chr9-94487134-G-A.
Other names: short protein forms P548S.
Identifiers: ClinVar variation 367502 (VCV000367502.19), dbSNP rs35764413, ClinGen allele CA5120624.